The following is an entry in ClinVar:

ClinVar aggregate classification (germline): Uncertain significance (1 of 4 stars; one submission).

Submission:

Dasa
Classification: Uncertain significance. Last evaluated: 2024-08-10. Review status: criteria provided, single submitter. Criteria: DASA Assertion Criteria. Collection method: clinical testing. Allele origin: germline.
Comment: NM_001099922.3(ALG13):c.900G>C (p.Gln300His) is a missense variant that results in the substitution of glutamine with histidine. This variant is absent from population databases. Computational prediction algorithms are consistent with a benign effect. The currently available literature and clinical evidence are not sufficient to establish a definitive association between this variant and the reported condition. Therefore, this variant is classified as a variant of uncertain significance.

NM_001099922.3(ALG13):c.900G>C (p.Gln300His)

Gene: ALG13 (ALG13 UDP-N-acetylglucosaminyltransferase subunit; plus strand). Cytogenetic location: Xq23.
Variant type: single nucleotide variant.
Coding change: c.900G>C on transcript NM_001099922.3 (MANE Select); coding-DNA position 900, G replaced by C.
Protein change: p.Gln300His; replaces glutamine 300 with histidine.
Molecular consequence: missense variant.
Genome position (GRCh38, 1-based): chrX:111,712,498, G>C. VCF-style: chrX-111712498-G-C. GRCh37 (hg19) VCF-style: chrX-110955726-G-C.
Other names: c.588G>C, p.Gln196His (NM_001257230.2, NM_001257234.2, NM_001257237.2 and 1 more transcripts); c.666G>C, p.Gln222His (NM_001257231.2); c.900G>C, p.Gln300His (NM_001324292.2); short protein forms Q196H, Q222H, Q300H.
Identifiers: ClinVar variation 4885563 (VCV004885563.2).